The following is an entry in ClinVar:

ClinVar aggregate classification (germline): Conflicting classifications of pathogenicity. Review status: criteria provided, conflicting classifications (1 of 4 stars). 3 submissions from 3 submitters: Uncertain significance (2); Likely benign (1). Last evaluated 2026-04-30.

Conditions:
Hereditary cancer-predisposing syndrome. Also called: Hereditary Cancer Syndrome; Neoplastic Syndromes, Hereditary; Tumor predisposition; Hereditary neoplastic syndrome. Identifiers: Orphanet 140162, MedGen C0027672, MeSH D009386, MONDO:0015356.
Hereditary breast ovarian cancer syndrome. Also called: Hereditary breast and ovarian cancer syndrome (HBOC); Hereditary breast and/or ovarian cancer syndrome; BRCA1- and BRCA2-Associated Hereditary Breast and Ovarian Cancer; Hereditary breast and ovarian cancer; Breast and ovarian cancer; Hereditary breast and ovarian cancer syndrome. Identifiers: Orphanet 145, MedGen C0677776, MeSH D061325, MONDO:0003582. Disease mechanism: loss of function.

Submissions (3):

Ambry Genetics
Classification: Uncertain significance for Hereditary cancer-predisposing syndrome. Last evaluated: 2026-04-30. Review status: criteria provided, single submitter. Criteria: Ambry Variant Classification Scheme 2023. Collection method: clinical testing. Allele origin: germline.
Comment: The p.V1333F variant (also known as c.3997G>T), located in coding exon 9 of the BRCA1 gene, results from a G to T substitution at nucleotide position 3997. The valine at codon 1333 is replaced by phenylalanine, an amino acid with highly similar properties. This amino acid position is not well conserved in available vertebrate species. In addition, the in silico prediction for this alteration is inconclusive. Based on the available evidence, the clinical significance of this variant remains unclear.

Labcorp Genetics (formerly Invitae), Labcorp
Classification: Uncertain significance for Hereditary breast ovarian cancer syndrome. Last evaluated: 2025-02-26. Review status: criteria provided, single submitter. Criteria: Invitae Variant Classification Sherloc (09022015). Collection method: clinical testing. Allele origin: germline.
Comment: This sequence change replaces valine, which is neutral and non-polar, with phenylalanine, which is neutral and non-polar, at codon 1333 of the BRCA1 protein (p.Val1333Phe). This variant is not present in population databases (gnomAD no frequency). This variant has not been reported in the literature in individuals affected with BRCA1-related conditions. ClinVar contains an entry for this variant (Variation ID: 962956). Invitae Evidence Modeling of protein sequence and biophysical properties (such as structural, functional, and spatial information, amino acid conservation, physicochemical variation, residue mobility, and thermodynamic stability) indicates that this missense variant is not expected to disrupt BRCA1 protein function with a negative predictive value of 80%. In summary, the available evidence is currently insufficient to determine the role of this variant in disease. Therefore, it has been classified as a Variant of Uncertain Significance.

University of Washington Department of Laboratory Medicine, University of Washington
Classification: Likely benign for Hereditary cancer-predisposing syndrome. Last evaluated: 2023-03-23. Review status: criteria provided, single submitter. Criteria: Dines et al. (Genet Med. 2020). Collection method: curation. Allele origin: germline.
Comment: Missense variant in a coldspot region where missense variants are very unlikely to be pathogenic (PMID:31911673).

BRCA1 coldspot (exon 11 using historical exon numbering). Reclassification based on statistical prior probability

NM_007294.4(BRCA1):c.3997G>T (p.Val1333Phe)

Genes: BRCA1 (BRCA1 DNA repair associated; minus strand), LOC126862571 (BRD4-independent group 4 enhancer GRCh37_chr17:41243136-41244335; plus strand). Cytogenetic location: 17q21.31.
Variant type: single nucleotide variant.
Coding change: c.3997G>T on transcript NM_007294.4 (MANE Select); coding-DNA position 3997, G replaced by T.
Protein change: p.Val1333Phe; replaces valine 1333 with phenylalanine.
Molecular consequence: missense variant. On other transcripts: intron variant (135).
Genome position (GRCh38, 1-based): chr17:43,091,534, C>A on the plus strand (G>T on the coding strand, the complement: BRCA1 is on the minus strand). VCF-style: chr17-43091534-C-A. GRCh37 (hg19) VCF-style: chr17-41243551-C-A.
Other names: c.3784G>T, p.Val1262Phe (NM_001407571.1, NM_001407853.1, NM_001407894.1 and 9 more transcripts); c.3997G>T, p.Val1333Phe (NM_001407581.1, NM_001407582.1, NM_001407583.1 and 30 more transcripts); c.3994G>T, p.Val1332Phe (NM_001407587.1, NM_001407590.1, NM_001407591.1 and 22 more transcripts); c.3988G>T, p.Val1330Phe (NM_001407646.1, NM_001407647.1); c.3874G>T, p.Val1292Phe (NM_001407648.1, NM_001407664.1, NM_001407665.1 and 19 more transcripts); c.3871G>T, p.Val1291Phe (NM_001407649.1, NM_001407670.1, NM_001407671.1 and 11 more transcripts); c.3919G>T, p.Val1307Phe (NM_001407653.1, NM_001407654.1, NM_001407655.1 and 4 more transcripts); c.3916G>T, p.Val1306Phe (NM_001407659.1, NM_001407660.1, NM_001407661.1 and 1 more transcripts); and 41 more; short protein forms V1286F, V1333F, V1244F, V1263F, V1292F, V1222F, V1262F, V1265F.
Identifiers: ClinVar variation 962956 (VCV000962956.14), dbSNP rs2053487730, ClinGen allele CA10593967.